The following is an entry in ClinVar:

ClinVar aggregate classification (germline): Uncertain significance (1 of 4 stars; one submission).

Submission:

Labcorp Genetics (formerly Invitae), Labcorp
Classification: Uncertain significance. Last evaluated: 2024-06-28. Review status: criteria provided, single submitter. Criteria: Invitae Variant Classification Sherloc (09022015). Collection method: clinical testing. Allele origin: germline.
Comment: This sequence change replaces proline, which is neutral and non-polar, with leucine, which is neutral and non-polar, at codon 587 of the PHIP protein (p.Pro587Leu). This variant is not present in population databases (gnomAD no frequency). This variant has not been reported in the literature in individuals affected with PHIP-related conditions. Advanced modeling of protein sequence and biophysical properties (such as structural, functional, and spatial information, amino acid conservation, physicochemical variation, residue mobility, and thermodynamic stability) performed at Invitae indicates that this missense variant is expected to disrupt PHIP protein function with a positive predictive value of 80%. In summary, the available evidence is currently insufficient to determine the role of this variant in disease. Therefore, it has been classified as a Variant of Uncertain Significance.

NM_017934.7(PHIP):c.1760C>T (p.Pro587Leu)

Gene: PHIP (PHIP subunit of CUL4-Ring ligase complex; minus strand). Cytogenetic location: 6q14.1.
Variant type: single nucleotide variant.
Coding change: c.1760C>T on transcript NM_017934.7 (MANE Select); coding-DNA position 1760, C replaced by T.
Protein change: p.Pro587Leu; replaces proline 587 with leucine.
Molecular consequence: missense variant.
Genome position (GRCh38, 1-based): chr6:79,002,018, G>A on the plus strand (C>T on the coding strand, the complement: PHIP is on the minus strand). VCF-style: chr6-79002018-G-A. GRCh37 (hg19) VCF-style: chr6-79711735-G-A.
Other names: short protein forms P587L.
Identifiers: ClinVar variation 3658112 (VCV003658112.2).